The following is an entry in ClinVar:

NM_004415.4(DSP):c.1420-3C>T

Gene: DSP (desmoplakin; plus strand). Cytogenetic location: 6p24.3.
Variant type: single nucleotide variant.
Coding change: c.1420-3C>T on transcript NM_004415.4 (MANE Select); 3 bases into the intron before coding-DNA position 1420, C replaced by T.
Molecular consequence: intron variant.
Genome position (GRCh38, 1-based): chr6:7,569,183, C>T. VCF-style: chr6-7569183-C-T. GRCh37 (hg19) VCF-style: chr6-7569416-C-T.
Other names: c.1420-3C>T (NM_001319034.2, NM_001008844.3).
Identifiers: ClinVar variation 854304 (VCV000854304.10), dbSNP rs786204296, ClinGen allele CA133956327.
Genomic context (GRCh38, chr6:7,569,183, plus strand): 5'-AGAAAAAAAATAAAAACACATACTTATGAATAAAGCCAAACCCTGGGGTTGCTTGCCTTA[C>T]AGAAAATCGTGCATAAGGGGGATGAGTGTATCCTGAAGGACAACAACGAGCGCAGCAAGT-3'

ClinVar aggregate classification (germline): Uncertain significance (1 of 4 stars; one submission).

Conditions:
Arrhythmogenic right ventricular dysplasia 8 (ARVD8). Also called: ARRHYTHMOGENIC RIGHT VENTRICULAR DYSPLASIA, FAMILIAL, 8; ARRHYTHMOGENIC RIGHT VENTRICULAR CARDIOMYOPATHY 8; Arrhythmogenic Right Ventricular Dysplasia/Cardiomyopathy 8. Identifiers: MedGen C1843896, MONDO:0011831, OMIM 607450.
Arrhythmogenic cardiomyopathy with wooly hair and keratoderma. Also called: Dilated cardiomyopathy with woolly hair and keratoderma; PALMOPLANTAR KERATODERMA WITH LEFT VENTRICULAR CARDIOMYOPATHY AND WOOLLY HAIR; Carvajal syndrome; Arrhythmogenic cardiomyopathy with woolly hair and keratoderma. Identifiers: Orphanet 65282, MedGen C1854063, MONDO:0011581, OMIM 605676.

Allele frequency attached by ClinVar (database versions not stated): gnomAD exomes below 0.00001; TOPMed below 0.00001.
gnomAD v4.1: 2 of 1,614,154 alleles (0.00012%); highest among the groups gnomAD compares: South Asian, 0.0022%; no homozygotes.

Submission:

Labcorp Genetics (formerly Invitae), Labcorp
Classification: Uncertain significance for Arrhythmogenic cardiomyopathy with wooly hair and keratoderma; Arrhythmogenic right ventricular dysplasia 8. Last evaluated: 2019-02-21. Review status: criteria provided, single submitter. Criteria: Invitae Variant Classification Sherloc (09022015). Collection method: clinical testing. Allele origin: germline.
Comment: In summary, the available evidence is currently insufficient to determine the role of this variant in disease. Therefore, it has been classified as a Variant of Uncertain Significance. Nucleotide substitutions within the consensus splice site are a relatively common cause of aberrant splicing (PMID: 17576681, 9536098). Algorithms developed to predict the effect of sequence changes on RNA splicing suggest that this variant may disrupt the consensus splice site, but this prediction has not been confirmed by published transcriptional studies. This variant has not been reported in the literature in individuals with DSP-related conditions. This variant is not present in population databases (ExAC no frequency). This sequence change falls in intron 11 of the DSP gene. It does not directly change the encoded amino acid sequence of the DSP protein, but it affects a nucleotide within the consensus splice site of the intron.

Literature cited by the submitters: PubMed 17576681; PubMed 9536098.